The following is an entry in ClinVar:

ClinVar aggregate classification (germline): Uncertain significance (1 of 4 stars; one submission).

Allele frequency attached by ClinVar (database versions not stated): gnomAD exomes below 0.00001.
gnomAD v4.1: 2 of 1,613,926 alleles (0.00012%); highest among the groups gnomAD compares: Middle Eastern, 0.016%; no homozygotes.

Submission:

GeneDx
Classification: Uncertain significance. Last evaluated: 2019-07-11. Review status: criteria provided, single submitter. Criteria: GeneDx Variant Classification Process June 2021. Collection method: clinical testing. Allele origin: germline. Affected: yes.
Comment: In silico analysis, which includes protein predictors and evolutionary conservation, supports that this variant does not alter protein structure/function; Has not been previously published as pathogenic or benign to our knowledge

NM_000096.4(CP):c.1703A>G (p.Asn568Ser)

Gene: CP (ceruloplasmin; minus strand). Cytogenetic location: 3q24.
Variant type: single nucleotide variant.
Coding change: c.1703A>G on transcript NM_000096.4 (MANE Select); coding-DNA position 1703, A replaced by G.
Protein change: p.Asn568Ser; replaces asparagine 568 with serine.
Molecular consequence: missense variant. On other transcripts: non-coding transcript variant (1).
Genome position (GRCh38, 1-based): chr3:149,198,377, T>C on the plus strand (A>G on the coding strand, the complement: CP is on the minus strand). VCF-style: chr3-149198377-T-C. GRCh37 (hg19) VCF-style: chr3-148916164-T-C.
Other names: short protein forms N568S.
Identifiers: ClinVar variation 1186314 (VCV001186314.2), dbSNP rs1471195439, ClinGen allele CA354907004.
Genomic context (GRCh38, chr3:149,198,377, plus strand): 5'-GATCATTTTCAAAGAGATTGAACAATTTTTTTTTCCCCAGTTGGACTTACCTGTCTCCCA[T>C]TTGCATGTAAACTTCCTTTCTTGCATATTTTCATTGGCCCAATAAGCCCAGTGAATATAT-3'
Protein context (NP_000087.2, residues 558-578): KICKKGSLHA[Asn568Ser]GRQKDVDKEF